The following is an entry in ClinVar:

NM_005228.5(EGFR):c.889del (p.Arg297fs)

Gene: EGFR (epidermal growth factor receptor; plus strand). Cytogenetic location: 7p11.2.
Variant type: Deletion.
Coding change: c.889del on transcript NM_005228.5 (MANE Select); coding-DNA position 889, one base deleted (C; older notation c.889delC).
Protein change: p.Arg297fs; shifts the reading frame from arginine 297.
Molecular consequence: frameshift variant. On other transcripts: intron variant (1).
Genome position (GRCh38, 1-based): chr7:55,154,152, C deleted; the last of 4 consecutive C bases (chr7:55,154,149-55,154,152); deleting any one gives the same sequence. VCF-style (leftmost placement, unchanged base first): chr7-55154148-TC-T. GRCh37 (hg19) VCF-style: chr7-55221841-TC-T.
Other names: c.754del, p.Arg252fs (NM_001346897.2, NM_001346899.2); c.889del, p.Arg297fs (NM_001346898.2, NM_201282.2, NM_201283.2 and 1 more transcripts); c.730del, p.Arg244fs (NM_001346900.2); c.89-1678del (NM_001346941.2); short protein forms R252fs, R244fs, R297fs.
Identifiers: ClinVar variation 2820973 (VCV002820973.3), dbSNP rs2128935185, ClinGen allele CA2682852056.

ClinVar aggregate classification (germline): Pathogenic (1 of 4 stars; one submission).

Conditions:
EGFR-related lung cancer (EGFR). Identifiers: MedGen CN130014.

Submission:

Labcorp Genetics (formerly Invitae), Labcorp
Classification: Pathogenic for EGFR-related lung cancer. Last evaluated: 2023-12-03. Review status: criteria provided, single submitter. Criteria: Invitae Variant Classification Sherloc (09022015). Collection method: clinical testing. Allele origin: germline.
Comment: This sequence change creates a premature translational stop signal (p.Arg297Valfs*5) in the EGFR gene. It is expected to result in an absent or disrupted protein product. Loss-of-function variants in EGFR are known to be pathogenic (PMID: 7630400, 28726809, 29899996). This variant is not present in population databases (gnomAD no frequency). This variant has not been reported in the literature in individuals affected with EGFR-related conditions. For these reasons, this variant has been classified as Pathogenic.

Literature cited by the submitters: PubMed 7630400; PubMed 28726809; PubMed 29899996.